The following is an entry in ClinVar:

ClinVar aggregate classification (germline): Benign (0 of 4 stars; one submission).

Conditions:
Bardet-Biedl syndrome (BBS). Identifiers: Orphanet 110, MedGen C0752166, MONDO:0015229.

Allele frequency attached by ClinVar (database versions not stated): gnomAD exomes 0.00015; gnomAD 0.00070; 1000 Genomes Project 0.00100; 1000 Genomes Project 30x 0.00109; TOPMed 0.00112.

Submission:

GeneReviews
Classification: Benign for Bardet-Biedl Syndrome. Last evaluated: 2009-10-13. Review status: no assertion criteria provided. Collection method: curation. Allele origin: unknown.
ClinVar note: Converted during submission from benign to Benign.

NM_170784.3(MKKS):c.-74G>A

Gene: MKKS (MKKS centrosomal shuttling protein; minus strand). Cytogenetic location: 20p12.2.
Variant type: single nucleotide variant.
Coding change: c.-74G>A on transcript NM_170784.3 (MANE Select); 74 bases upstream of the start codon, G replaced by A.
Molecular consequence: 5 prime UTR variant.
Genome position (GRCh38, 1-based): chr20:10,413,588, C>T on the plus strand (G>A on the coding strand, the complement: MKKS is on the minus strand). VCF-style: chr20-10413588-C-T. GRCh37 (hg19) VCF-style: chr20-10394236-C-T.
Other names: c.-74G>A; c.-74G>A (NM_018848.3).
Identifiers: ClinVar variation 21668 (VCV000021668.3), dbSNP rs113994194, ClinGen allele CA342351.